The following is an entry in ClinVar:

ClinVar aggregate classification (germline): Pathogenic/Likely pathogenic. Review status: criteria provided, multiple submitters, no conflicts (2 of 4 stars). 4 submissions from 4 submitters: Pathogenic (3); Likely pathogenic (1). Last evaluated 2025-08-18.

Conditions:
Hereditary nonpolyposis colorectal neoplasms. Identifiers: MedGen C0009405, MeSH D003123.
Hereditary cancer-predisposing syndrome. Also called: Tumor predisposition; Neoplastic Syndromes, Hereditary; Hereditary Cancer Syndrome; Hereditary neoplastic syndrome. Identifiers: Orphanet 140162, MedGen C0027672, MeSH D009386, MONDO:0015356.
Lynch syndrome 5 (LYNCH5). Also called: Colorectal cancer, hereditary nonpolyposis, type 5; Hereditary non-polyposis colorectal cancer, type 5. Identifiers: Orphanet 144, MedGen C1833477, MONDO:0013710, OMIM 614350. Disease mechanism: loss of function.

Submissions (4):

Labcorp Genetics (formerly Invitae), Labcorp
Classification: Pathogenic for Hereditary nonpolyposis colorectal neoplasms. Last evaluated: 2025-08-18. Review status: criteria provided, single submitter. Criteria: Invitae Variant Classification Sherloc (09022015). Collection method: clinical testing. Allele origin: germline.
Comment: This sequence change creates a premature translational stop signal (p.Arg577Alafs*9) in the MSH6 gene. It is expected to result in an absent or disrupted protein product. Loss-of-function variants in MSH6 are known to be pathogenic (PMID: 18269114, 24362816). This variant is not present in population databases (gnomAD no frequency). This premature translational stop signal has been observed in individual(s) with colorectal cancer (PMID: 28944238). ClinVar contains an entry for this variant (Variation ID: 1455637). For these reasons, this variant has been classified as Pathogenic.

Ambry Genetics
Classification: Pathogenic for Hereditary cancer-predisposing syndrome. Last evaluated: 2024-10-14. Review status: criteria provided, single submitter. Criteria: Ambry Variant Classification Scheme 2023. Collection method: clinical testing. Allele origin: germline.
Comment: The c.1729delC pathogenic mutation, located in coding exon 4 of the MSH6 gene, results from a deletion of one nucleotide at nucleotide position 1729, causing a translational frameshift with a predicted alternate stop codon (p.R577Afs*9). This mutation has been reported in a cohort of 1231 colorectal cancer patients (DeRycke MS et al. Mol Genet Genomic Med, 2017 Sep;5:553-569). This variant is considered to be rare based on population cohorts in the Genome Aggregation Database (gnomAD). In addition to the clinical data presented in the literature, this alteration is expected to result in loss of function by premature protein truncation or nonsense-mediated mRNA decay. As such, this alteration is interpreted as a disease-causing mutation.

Myriad Genetics, Inc.
Classification: Pathogenic for Lynch syndrome 5. Last evaluated: 2023-08-15. Review status: criteria provided, single submitter. Criteria: Myriad Autosomal Dominant, Autosomal Recessive and X-Linked Classification Criteria (2023). Collection method: clinical testing. Allele origin: unknown.
Comment: This variant is considered pathogenic. This variant creates a frameshift predicted to result in premature protein truncation.

Revvity Omics, Revvity
Classification: Likely pathogenic. Last evaluated: 2022-05-09. Review status: criteria provided, single submitter. Criteria: ACMG Guidelines, 2015. Collection method: clinical testing. Allele origin: germline.

Literature cited by the submitters: PubMed 18269114 (cited by Labcorp Genetics (formerly Invitae), Labcorp); PubMed 24362816 (cited by Labcorp Genetics (formerly Invitae), Labcorp); PubMed 28944238 (cited by Labcorp Genetics (formerly Invitae), Labcorp and Ambry Genetics).

NM_000179.3(MSH6):c.1729del (p.Arg577fs)

Gene: MSH6 (mutS homolog 6; plus strand). Cytogenetic location: 2p16.3.
Variant type: Deletion.
Coding change: c.1729del on transcript NM_000179.3 (MANE Select); coding-DNA position 1729, one base deleted (C; older notation c.1729delC).
Protein change: p.Arg577fs; shifts the reading frame from arginine 577.
Molecular consequence: frameshift variant.
Genome position (GRCh38, 1-based): chr2:47,799,712, C deleted. VCF-style (leftmost placement, unchanged base first): chr2-47799711-TC-T. GRCh37 (hg19) VCF-style: chr2-48026850-TC-T.
Other names: c.1339del, p.Arg447fs (NM_001281492.2); c.823del, p.Arg275fs (NM_001281493.2, NM_001281494.2); c.1729delC (NM_000179.2); c.1729del (NM_000179.2); short protein forms R275fs, R577fs, R447fs.
Identifiers: ClinVar variation 1455637 (VCV001455637.14), dbSNP rs2104363773, ClinGen allele CA2573134926.